The following is an entry in ClinVar:

NM_001904.4(CTNNB1):c.133_134delinsAA (p.Ser45Asn)

Genes: CTNNB1 (catenin beta 1; plus strand), LOC126806658 (BRD4-independent group 4 enhancer GRCh37_chr3:41265899-41267098; plus strand). Cytogenetic location: 3p22.1.
Variant type: Indel.
Coding change: c.133_134delinsAA on transcript NM_001904.4 (MANE Select); coding-DNA positions 133 to 134, TC replaced by AA.
Protein change: p.Ser45Asn; replaces serine 45 with asparagine.
Molecular consequence: missense variant.
Genome position (GRCh38, 1-based): chr3:41,224,645-41,224,646, TC replaced by AA. VCF-style: chr3-41224645-TC-AA. GRCh37 (hg19) VCF-style: chr3-41266136-TC-AA.
Other names: c.133_134delinsAA, p.Ser45Asn (NM_001098209.2, NM_001098210.2, NM_001438871.1 and 4 more transcripts); c.112_113delinsAA, p.Ser38Asn (NM_001330729.2); short protein forms S38N, S45N.
Identifiers: ClinVar variation 4530150 (VCV004530150.1).

ClinVar aggregate classification (somatic clinical impact): Tier I - Strong (1 of 4 stars; one submission).

Conditions:
Nephroblastoma. Also called: Wilms' tumor; Wilms tumor. Identifiers: Orphanet 654, MedGen C0027708, MeSH D009396, MONDO:0006058, HP:0002667.

Submission:

Institute for Genomic Medicine (IGM) Clinical Laboratory, Nationwide Children's Hospital
Classification: Tier I - Strong for Kidney Wilms tumor. Assertion type: diagnostic. Clinical significance: supports diagnosis. Last evaluated: 2025-10-17. Review status: criteria provided, single submitter. Criteria: AMP/ASCO/CAP Guidelines, 2017. Collection method: clinical testing. Allele origin: somatic. Affected: yes.
Comment: Variant has Tier I (strong) clinical significance as a diagnostic inclusion criterion in Wilms tumor, based on the following evidence: 1) Documented in one or more cancer databases (e.g., St. Jude Pecan, COSMIC, CIViC, OncoKB). 2) Appears in one or more well-established professional guidelines (e.g., World Health Organization [WHO]; National Comprehensive Cancer Network [NCCN]) as providing diagnostic, prognostic, or therapeutic information. 3) Diagnostic for a specific tumor type/classification based on well-powered studies with expert-level consensus (Evidence Level B; PMIDs: 8268188, 24713986, 28825729, 26892980, 22470196).

Literature cited by the submitters: PubMed 8268188; PubMed 24713986; PubMed 28825729; PubMed 26892980; PubMed 22470196.